The following is an entry in ClinVar:

NM_016333.4(SRRM2):c.1154C>G (p.Pro385Arg)

Gene: SRRM2 (serine/arginine repetitive matrix 2; plus strand). Cytogenetic location: 16p13.3.
Variant type: single nucleotide variant.
Coding change: c.1154C>G on transcript NM_016333.4 (MANE Select); coding-DNA position 1154, C replaced by G.
Protein change: p.Pro385Arg; replaces proline 385 with arginine.
Molecular consequence: missense variant.
Genome position (GRCh38, 1-based): chr16:2,761,682, C>G. VCF-style: chr16-2761682-C-G. GRCh37 (hg19) VCF-style: chr16-2811683-C-G.
Other names: short protein forms P385R.
Identifiers: ClinVar variation 4689098 (VCV004689098.1).
Genomic context (GRCh38, chr16:2,761,682, plus strand): 5'-CTCCCACTCCGCTCCTTGCTGAGCGACATGGCGGCTCCCCACAACCCCTTGCAACCACCC[C>G]CTTAAGCCAGGAGCCAGTGAACCCCCCATCTGAGGCCTCTCCAACTCGGGACCGTTCACC-3'
Protein context (NP_057417.3, residues 375-395): GGSPQPLATT[Pro385Arg]LSQEPVNPPS

ClinVar aggregate classification (germline): Uncertain significance (1 of 4 stars; one submission).

gnomAD v4.1: 1 of 1,602,506 alleles (0.000062%); highest among the groups gnomAD compares: South Asian, 0.0011%; no homozygotes.

Submission:

Women's Health and Genetics/Laboratory Corporation of America, LabCorp
Classification: Uncertain significance. Last evaluated: 2026-01-22. Review status: criteria provided, single submitter. Criteria: LabCorp Variant Classification Summary - May 2015. Collection method: clinical testing. Allele origin: germline.
Comment: Variant summary: SRRM2 c.1154C>G (p.Pro385Arg) results in a non-conservative amino acid change in the encoded protein sequence. Algorithms developed to predict the effect of missense changes on protein structure and function are either unavailable or do not agree on the potential impact of this missense change. The variant allele was found at a frequency of 4.2e-06 in 239640 control chromosomes. The available data on variant occurrences in the general population are insufficient to allow any conclusion about variant significance. To our knowledge, no occurrence of c.1154C>G in individuals affected with SRRM2-related conditions and no experimental evidence demonstrating its impact on protein function have been reported. No submitters have cited clinical-significance assessments for this variant to ClinVar. Based on the evidence outlined above, the variant was classified as uncertain significance.